The following is an entry in ClinVar:

NM_004984.4(KIF5A):c.704G>A (p.Gly235Glu)

Gene: KIF5A (kinesin family member 5A; plus strand). Cytogenetic location: 12q13.3.
Variant type: single nucleotide variant.
Coding change: c.704G>A on transcript NM_004984.4 (MANE Select); coding-DNA position 704, G replaced by A.
Protein change: p.Gly235Glu; replaces glycine 235 with glutamic acid.
Molecular consequence: missense variant.
Genome position (GRCh38, 1-based): chr12:57,567,608, G>A. VCF-style: chr12-57567608-G-A. GRCh37 (hg19) VCF-style: chr12-57961391-G-A.
Other names: c.437G>A, p.Gly146Glu (NM_001354705.2); c.704G>A (NM_004984.2); short protein forms G235E, G146E.
Identifiers: ClinVar variation 37131 (VCV000037131.3), dbSNP rs387907289, ClinGen allele CA130089.

ClinVar aggregate classification (germline): Likely pathogenic. Review status: criteria provided, single submitter (1 of 4 stars). 2 submissions from 2 submitters: Likely pathogenic (1). 1 of the submissions does not count toward it. Last evaluated 2023-07-28.

Conditions:
Hereditary spastic paraplegia 10 (SPG10). Also called: SPASTIC PARAPLEGIA 10 WITH OR WITHOUT PERIPHERAL NEUROPATHY; SPASTIC PARAPLEGIA 10 WITH PERIPHERAL NEUROPATHY; SPASTIC PARAPLEGIA 10, AUTOSOMAL DOMINANT. Identifiers: Orphanet 100991, MedGen C1858712, MONDO:0011408, OMIM 604187.

Submissions (2):

GeneDx
Classification: Likely pathogenic. Last evaluated: 2023-07-28. Review status: criteria provided, single submitter. Criteria: GeneDx Variant Classification Process June 2021. Collection method: clinical testing. Allele origin: germline. Affected: yes.
Comment: Not observed at significant frequency in large population cohorts (gnomAD); In silico analysis supports that this missense variant has a deleterious effect on protein structure/function; This variant is associated with the following publications: (PMID: 24954637, 22785106, 29566793, 25008398, 22714410, Mahase2020[Computational], 21623771)

OMIM
Classification: Pathogenic for SPASTIC PARAPLEGIA 10 WITH PERIPHERAL NEUROPATHY. Last evaluated: 2012-08-01. Review status: no assertion criteria provided. Collection method: literature only. Allele origin: germline. Not counted in ClinVar's aggregate classification.

Literature cited by the submitters: PubMed 21623771 (cited by OMIM).